The following is an entry in ClinVar:

ClinVar aggregate classification (germline): Uncertain significance. Review status: criteria provided, multiple submitters, no conflicts (2 of 4 stars). 2 submissions from 2 submitters: Uncertain significance (2). Last evaluated 2020-08-07.

Conditions:
Hereditary breast ovarian cancer syndrome. Also called: Hereditary breast and/or ovarian cancer syndrome; Breast and ovarian cancer; BRCA1- and BRCA2-Associated Hereditary Breast and Ovarian Cancer; Hereditary breast and ovarian cancer syndrome; Hereditary breast and ovarian cancer syndrome (HBOC); Hereditary breast and ovarian cancer. Identifiers: Orphanet 145, MedGen C0677776, MeSH D061325, MONDO:0003582. Disease mechanism: loss of function.

Submissions (2):

Quest Diagnostics Nichols Institute San Juan Capistrano
Classification: Uncertain significance. Last evaluated: 2020-08-07. Review status: criteria provided, single submitter. Criteria: Quest Diagnostics criteria. Collection method: clinical testing. Allele origin: unknown.

Labcorp Genetics (formerly Invitae), Labcorp
Classification: Uncertain significance for Hereditary breast ovarian cancer syndrome. Last evaluated: 2020-02-09. Review status: criteria provided, single submitter. Criteria: Invitae Variant Classification Sherloc (09022015). Collection method: clinical testing. Allele origin: germline.
Comment: In summary, the available evidence is currently insufficient to determine the role of this variant in disease. Therefore, it has been classified as a Variant of Uncertain Significance. Algorithms developed to predict the effect of missense changes on protein structure and function output the following: SIFT: "Tolerated"; PolyPhen-2: "Benign"; Align-GVGD: "Class C0". The isoleucine amino acid residue is found in multiple mammalian species, suggesting that this missense change does not adversely affect protein function. These predictions have not been confirmed by published functional studies and their clinical significance is uncertain. ClinVar contains an entry for this variant (Variation ID: 216266). This variant is not present in population databases (ExAC no frequency). This sequence change replaces methionine with isoleucine at codon 3248 of the BRCA2 protein (p.Met3248Ile). The methionine residue is weakly conserved and there is a small physicochemical difference between methionine and isoleucine.

NM_000059.4(BRCA2):c.9744G>A (p.Met3248Ile)

Gene: BRCA2 (BRCA2 DNA repair associated; plus strand). Cytogenetic location: 13q13.1.
Variant type: single nucleotide variant.
Coding change: c.9744G>A on transcript NM_000059.4 (MANE Select); coding-DNA position 9744, G replaced by A.
Protein change: p.Met3248Ile; replaces methionine 3248 with isoleucine.
Molecular consequence: missense variant.
Genome position (GRCh38, 1-based): chr13:32,398,257, G>A. VCF-style: chr13-32398257-G-A. GRCh37 (hg19) VCF-style: chr13-32972394-G-A.
Other names: short protein forms M3248I.
Identifiers: ClinVar variation 216266 (VCV000216266.10), dbSNP rs863224602, ClinGen allele CA338406.
Genomic context (GRCh38, chr13:32,398,257, plus strand): 5'-TCCTTTATCACTTTGTATGGCCAAAAGGAAGTCTGTTTCCACACCTGTCTCAGCCCAGAT[G>A]ACTTCAAAGTCTTGTAAAGGGGAGAAAGAGATTGATGACCAAAAGAACTGCAAAAAGAGA-3'
Protein context (NP_000050.3, residues 3238-3258): KSVSTPVSAQ[Met3248Ile]TSKSCKGEKE